The following is an entry in ClinVar:

ClinVar aggregate classification (germline): Benign/Likely benign. Review status: criteria provided, multiple submitters, no conflicts (2 of 4 stars). 6 submissions from 6 submitters: Benign (5); Likely benign (1). Last evaluated 2025-04-18.

Conditions:
Hereditary cancer-predisposing syndrome. Also called: Neoplastic Syndromes, Hereditary; Hereditary neoplastic syndrome; Hereditary Cancer Syndrome; Tumor predisposition. Identifiers: Orphanet 140162, MedGen C0027672, MeSH D009386, MONDO:0015356.
Hereditary breast ovarian cancer syndrome. Also called: Hereditary breast and ovarian cancer syndrome (HBOC); Breast and ovarian cancer; Hereditary breast and ovarian cancer syndrome; Hereditary breast and ovarian cancer; Hereditary breast and/or ovarian cancer syndrome; BRCA1- and BRCA2-Associated Hereditary Breast and Ovarian Cancer. Identifiers: Orphanet 145, MedGen C0677776, MeSH D061325, MONDO:0003582. Disease mechanism: loss of function.
Fanconi anemia complementation group D2. Also called: FANCD2-Related Fanconi Anemia; FANCONI PANCYTOPENIA, TYPE 4; FANCONI ANEMIA, COMPLEMENTATION GROUP D. Identifiers: Orphanet 84, MedGen C3160738, MONDO:0009214, OMIM 227646.

Allele frequency attached by ClinVar (database versions not stated): ESP Exome Variant Server 0.00123; gnomAD 0.00227 and 0.00355; TOPMed 0.00269; gnomAD exomes 0.00389 and 0.00652; ExAC 0.00664; 1000 Genomes Project 30x 0.01359; 1000 Genomes Project 0.01418.
gnomAD v4.1: 6,336 of 1,613,792 alleles (0.39%); highest among the groups gnomAD compares: East Asian, 3.4%; 85 homozygotes.

Submissions (6):

ARUP Laboratories, Molecular Genetics and Genomics, ARUP Laboratories
Classification: Benign for Fanconi anemia complementation group D2. Last evaluated: 2025-04-18. Review status: criteria provided, single submitter. Criteria: ARUP Molecular Germline Variant Investigation Process 2024. Collection method: clinical testing. Allele origin: germline.

Molecular Diagnostics Laboratory, Catalan Institute of Oncology
Classification: Benign for Hereditary cancer-predisposing syndrome. Last evaluated: 2025-03-25. Review status: criteria provided, single submitter. Criteria: ACMG Guidelines, 2015. Collection method: clinical testing. Allele origin: germline.
Comment: BA1 The c.-6G>C variant of the FANCD2 gene alters a nucleotide located in the untranslated mRNA region upstream of the ATG translational start site of the gene. It does not change the encoded amino acid sequence of the FANCD2 protein. The variant allele was found in 737/30526 alleles (20 homozygotes), with a filter allele frequency of 2.21% at 99% confidence, within the South Asian population in the gnomAD v2.1.1 database (non-cancer data set)(BA1). This variant has been identified in the ClinVar database (3x benign, 1x likely benign) but is not present in the LOVD database. Based on currently available information, the variant c.-6G>C is classified as a benign variant according ACMG guidelines.

KCCC/NGS Laboratory, Kuwait Cancer Control Center
Classification: Likely benign for Fanconi anemia complementation group D2. Last evaluated: 2023-07-07. Review status: criteria provided, single submitter. Criteria: ACMG Guidelines, 2015. Collection method: clinical testing. Allele origin: germline. Affected: yes.

National Health Laboratory Service, Universitas Academic Hospital and University of the Free State
Classification: Benign for Hereditary breast ovarian cancer syndrome. Last evaluated: 2022-04-19. Review status: criteria provided, single submitter. Criteria: ACMG Guidelines, 2015. Collection method: clinical testing. Allele origin: germline. Affected: yes. Observed: 5 variant alleles.

Illumina Laboratory Services, Illumina
Classification: Benign for Fanconi anemia complementation group D2. Last evaluated: 2018-01-12. Review status: criteria provided, single submitter. Criteria: ICSL Variant Classification Criteria 13 December 2019. Collection method: clinical testing. Allele origin: germline.
Comment: This variant was observed in the ICSL laboratory as part of a predisposition screen in an ostensibly healthy population. It had not been previously curated by ICSL or reported in the Human Gene Mutation Database (HGMD: prior to June 1st, 2018), and was therefore a candidate for classification through an automated scoring system. Utilizing variant allele frequency, disease prevalence and penetrance estimates, and inheritance mode, an automated score was calculated to assess if this variant is too frequent to cause the disease. Based on the score and internal cut-off values, a variant classified as benign is not then subjected to further curation. The score for this variant resulted in a classification of benign for this disease.

Breakthrough Genomics
Classification: Benign. Review status: criteria provided, single submitter. Criteria: ACMG Guidelines, 2015. Collection method: not provided. Allele origin: germline. Inheritance: Autosomal recessive inheritance. Affected: yes.

NM_001018115.3(FANCD2):c.-6G>C

Gene: FANCD2 (FA complementation group D2; plus strand). Cytogenetic location: 3p25.3.
Variant type: single nucleotide variant.
Coding change: c.-6G>C on transcript NM_001018115.3 (MANE Select); 6 bases upstream of the start codon, G replaced by C.
Molecular consequence: 5 prime UTR variant.
Genome position (GRCh38, 1-based): chr3:10,028,652, G>C. VCF-style: chr3-10028652-G-C. GRCh37 (hg19) VCF-style: chr3-10070336-G-C.
Other names: c.-6G>C (NM_033084.4, NM_001319984.2, NM_001374253.1 and 3 more transcripts).
Identifiers: ClinVar variation 342253 (VCV000342253.10), dbSNP rs3732974, ClinGen allele CA2249071.